The following is an entry in ClinVar:

ClinVar aggregate classification (germline): Uncertain significance. Review status: criteria provided, multiple submitters, no conflicts (2 of 4 stars). 4 submissions from 3 submitters: Uncertain significance (4). Last evaluated 2026-03-27.

Conditions:
Arrhythmogenic right ventricular dysplasia 2. Identifiers: MedGen C1832931.
Cardiovascular phenotype. Identifiers: MedGen CN230736.
Catecholaminergic polymorphic ventricular tachycardia (CVPT). Also called: Catecholamine-induced polymorphic ventricular tachycardia. Identifiers: Orphanet 3286, MedGen C5574922, MONDO:0017990.
Catecholaminergic polymorphic ventricular tachycardia 1. Also called: RYR2-Related Catecholaminergic Polymorphic Ventricular Tachycardia; VENTRICULAR TACHYCARDIA, STRESS-INDUCED POLYMORPHIC 1; VENTRICULAR TACHYCARDIA, CATECHOLAMINERGIC POLYMORPHIC, 1, WITH OR WITHOUT ATRIAL DYSFUNCTION AND/OR DILATED CARDIOMYOPATHY. Identifiers: Orphanet 3286, MedGen C1631597, MONDO:0011484, OMIM 604772.

Allele frequency attached by ClinVar (database versions not stated): gnomAD exomes 0.00001.
gnomAD v4.1: 5 of 1,613,850 alleles (0.00031%); highest among the groups gnomAD compares: Non-Finnish European, 0.00042%; no homozygotes.

Submissions (4):

Molecular Diagnostic Laboratory for Inherited Cardiovascular Disease, Montreal Heart Institute
Classification: Uncertain significance for Cardiovascular phenotype. Last evaluated: 2026-03-27. Review status: criteria provided, single submitter. Criteria: ACMG Guidelines, 2015. Collection method: clinical testing. Allele origin: germline. Affected: yes.
Comment: PM2, PP2, PP3

All of Us Research Program, National Institutes of Health
Classification: Uncertain significance for Catecholaminergic polymorphic ventricular tachycardia. Last evaluated: 2023-09-09. Review status: criteria provided, single submitter. Criteria: ACMG Guidelines, 2015. Collection method: clinical testing. Allele origin: germline. Inheritance: Autosomal dominant inheritance. Observed: 3 variant alleles, 3 heterozygotes.
Comment: This missense variant replaces tyrosine with cysteine at codon 706 of the RYR2 protein. Computational prediction suggests that this variant may have deleterious impact on protein structure and function (internally defined REVEL score threshold >= 0.7, PMID: 27666373). To our knowledge, functional studies have not been reported for this variant. This variant has not been reported in individuals affected with RYR2-related disorders in the literature. This variant has not been identified in the general population by the Genome Aggregation Database (gnomAD). The available evidence is insufficient to determine the role of this variant in disease conclusively. Therefore, this variant is classified as a Variant of Uncertain Significance.

This study involves interpretation of variants in research participants for the purpose of population health screening. Participant phenotype was not available at the time of variant classification. Additional details can be found in publication PMID: 35346344, PMCID: PMC8962531

Illumina Laboratory Services, Illumina
Classification: Uncertain significance for Catecholaminergic polymorphic ventricular tachycardia 1. Last evaluated: 2018-01-12. Review status: criteria provided, single submitter. Criteria: ICSL Variant Classification Criteria 13 December 2019. Collection method: clinical testing. Allele origin: germline.

Illumina Laboratory Services, Illumina
Classification: Uncertain significance for Catecholaminergic polymorphic ventricular tachycardia 1. Last evaluated: 2018-01-12. Review status: criteria provided, single submitter. Criteria: ICSL Variant Classification Criteria 13 December 2019. Collection method: clinical testing. Allele origin: germline.

NM_001035.3(RYR2):c.2117A>G (p.Tyr706Cys)

Gene: RYR2 (ryanodine receptor 2; plus strand). Cytogenetic location: 1q43.
Variant type: single nucleotide variant.
Coding change: c.2117A>G on transcript NM_001035.3 (MANE Select); coding-DNA position 2117, A replaced by G.
Protein change: p.Tyr706Cys; replaces tyrosine 706 with cysteine.
Molecular consequence: missense variant.
Genome position (GRCh38, 1-based): chr1:237,496,666, A>G. VCF-style: chr1-237496666-A-G. GRCh37 (hg19) VCF-style: chr1-237659966-A-G.
Other names: short protein forms Y706C.
Identifiers: ClinVar variation 875104 (VCV000875104.6), dbSNP rs1664107169, ClinGen allele CA345391996.